The following is an entry in ClinVar:

ClinVar aggregate classification (germline): Uncertain significance (1 of 4 stars; one submission).

Conditions:
KBG syndrome (KBGS). Also called: ANKRD11-Related KBG Syndrome. Identifiers: Orphanet 2332, MedGen C0220687, MONDO:0007846, OMIM 148050.

Submission:

Labcorp Genetics (formerly Invitae), Labcorp
Classification: Uncertain significance for KBG syndrome. Last evaluated: 2023-05-17. Review status: criteria provided, single submitter. Criteria: Invitae Variant Classification Sherloc (09022015). Collection method: clinical testing. Allele origin: germline.
Comment: In summary, the available evidence is currently insufficient to determine the role of this variant in disease. Therefore, it has been classified as a Variant of Uncertain Significance. Advanced modeling of protein sequence and biophysical properties (such as structural, functional, and spatial information, amino acid conservation, physicochemical variation, residue mobility, and thermodynamic stability) performed at Invitae indicates that this missense variant is not expected to disrupt ANKRD11 protein function. This variant has not been reported in the literature in individuals affected with ANKRD11-related conditions. This variant is not present in population databases (gnomAD no frequency). This sequence change replaces alanine, which is neutral and non-polar, with valine, which is neutral and non-polar, at codon 2026 of the ANKRD11 protein (p.Ala2026Val).

NM_013275.6(ANKRD11):c.6077C>T (p.Ala2026Val)

Gene: ANKRD11 (ankyrin repeat domain 11; minus strand). Cytogenetic location: 16q24.3.
Variant type: single nucleotide variant.
Coding change: c.6077C>T on transcript NM_013275.6 (MANE Select); coding-DNA position 6077, C replaced by T.
Protein change: p.Ala2026Val; replaces alanine 2026 with valine.
Molecular consequence: missense variant.
Genome position (GRCh38, 1-based): chr16:89,280,465, G>A on the plus strand (C>T on the coding strand, the complement: ANKRD11 is on the minus strand). VCF-style: chr16-89280465-G-A. GRCh37 (hg19) VCF-style: chr16-89346873-G-A.
Other names: c.6077C>T, p.Ala2026Val (NM_001256182.2, NM_001256183.2); short protein forms A2026V.
Identifiers: ClinVar variation 2865294 (VCV002865294.3), dbSNP rs767562546, ClinGen allele CA8241602.